The following is an entry in ClinVar:

ClinVar aggregate classification (germline): Pathogenic (1 of 4 stars; one submission).

Submission:

Labcorp Genetics (formerly Invitae), Labcorp
Classification: Pathogenic. Last evaluated: 2021-12-18. Review status: criteria provided, single submitter. Criteria: Invitae Variant Classification Sherloc (09022015). Collection method: clinical testing. Allele origin: germline.
Comment: This variant is not present in population databases (gnomAD no frequency). This sequence change creates a premature translational stop signal (p.Trp589*) in the ABCA4 gene. It is expected to result in an absent or disrupted protein product. Loss-of-function variants in ABCA4 are known to be pathogenic (PMID: 10958761, 24938718, 25312043, 26780318). This premature translational stop signal has been observed in individual(s) with Stargardt disease (PMID: 23755871). For these reasons, this variant has been classified as Pathogenic.

Literature cited by the submitters: PubMed 10958761; PubMed 24938718; PubMed 25312043; PubMed 26780318; PubMed 23755871.

NM_000350.3(ABCA4):c.1767G>A (p.Trp589Ter)

Gene: ABCA4 (ATP binding cassette subfamily A member 4; minus strand). Cytogenetic location: 1p22.1.
Variant type: single nucleotide variant.
Coding change: c.1767G>A on transcript NM_000350.3 (MANE Select); coding-DNA position 1767, G replaced by A.
Protein change: p.Trp589Ter; replaces tryptophan 589 with a stop codon.
Molecular consequence: nonsense.
Genome position (GRCh38, 1-based): chr1:94,062,747, C>T on the plus strand (G>A on the coding strand, the complement: ABCA4 is on the minus strand). VCF-style: chr1-94062747-C-T. GRCh37 (hg19) VCF-style: chr1-94528303-C-T.
Other names: c.1767G>A, p.Trp589Ter (NM_001425324.1); short protein forms W589*.
Identifiers: ClinVar variation 2047047 (VCV002047047.4), dbSNP rs2523841893, ClinGen allele CA341279794.